The following is an entry in ClinVar:

NM_001005273.3(CHD3):c.4364A>G (p.Tyr1455Cys)

Gene: CHD3 (chromodomain helicase DNA binding protein 3; plus strand). Cytogenetic location: 17p13.1.
Variant type: single nucleotide variant.
Coding change: c.4364A>G on transcript NM_001005273.3 (MANE Select); coding-DNA position 4364, A replaced by G.
Protein change: p.Tyr1455Cys; replaces tyrosine 1455 with cysteine.
Molecular consequence: missense variant.
Genome position (GRCh38, 1-based): chr17:7,906,558, A>G. VCF-style: chr17-7906558-A-G. GRCh37 (hg19) VCF-style: chr17-7809876-A-G.
Other names: c.4541A>G, p.Tyr1514Cys (NM_001005271.3); c.4364A>G, p.Tyr1455Cys (NM_005852.4); short protein forms Y1455C, Y1514C.
Identifiers: ClinVar variation 1710734 (VCV001710734.2), dbSNP rs2545078415, ClinGen allele CA397945949.

ClinVar aggregate classification (germline): Uncertain significance (1 of 4 stars; one submission).

Submission:

GeneDx
Classification: Uncertain significance. Last evaluated: 2022-10-15. Review status: criteria provided, single submitter. Criteria: GeneDx Variant Classification Process June 2021. Collection method: clinical testing. Allele origin: germline. Affected: yes.
Comment: Not observed at significant frequency in large population cohorts (gnomAD); In silico analysis supports that this missense variant has a deleterious effect on protein structure/function; Has not been previously published as pathogenic or benign to our knowledge